The following is an entry in ClinVar:

NM_003079.5(SMARCE1):c.847G>C (p.Glu283Gln)

Gene: SMARCE1 (SWI/SNF related BAF chromatin remodeling complex subunit E1; minus strand). Cytogenetic location: 17q21.2.
Variant type: single nucleotide variant.
Coding change: c.847G>C on transcript NM_003079.5 (MANE Select); coding-DNA position 847, G replaced by C.
Protein change: p.Glu283Gln; replaces glutamic acid 283 with glutamine.
Molecular consequence: missense variant.
Genome position (GRCh38, 1-based): chr17:40,630,894, C>G on the plus strand (G>C on the coding strand, the complement: SMARCE1 is on the minus strand). VCF-style: chr17-40630894-C-G. GRCh37 (hg19) VCF-style: chr17-38787146-C-G.
Other names: short protein forms E283Q.
Identifiers: ClinVar variation 1763537 (VCV001763537.8), dbSNP rs147883949, ClinGen allele CA8545149.
Genomic context (GRCh38, chr17:40,630,894, plus strand): 5'-TTTCCTCCTGCCTTTTGCGGGCCTGTTCCTCTGCCTGTGCAATCTCAGCTGCAATTTTCT[C>G]CATATCCACTTCTACTTTCAGACCGCACAACTAATCAGAAAAAAACAGAACTCCGTAATG-3'
Protein context (NP_003070.3, residues 273-293): LCGLKVEVDM[Glu283Gln]KIAAEIAQAE

ClinVar aggregate classification (germline): Conflicting classifications of pathogenicity. Review status: criteria provided, conflicting classifications (1 of 4 stars). 2 submissions from 2 submitters: Uncertain significance (1); Likely benign (1). Last evaluated 2025-09-13.

Conditions:
Hereditary cancer-predisposing syndrome. Also called: Neoplastic Syndromes, Hereditary; Tumor predisposition; Hereditary Cancer Syndrome; Hereditary neoplastic syndrome. Identifiers: Orphanet 140162, MedGen C0027672, MeSH D009386, MONDO:0015356.
Familial meningioma. Also called: Meningioma, familial, susceptibility to. Identifiers: Orphanet 263662, MedGen C3551915, MONDO:0011789, OMIM 607174.

Allele frequency attached by ClinVar (database versions not stated): ExAC 0.00001; TOPMed 0.00001; ESP Exome Variant Server 0.00008.

Submissions (2):

Labcorp Genetics (formerly Invitae), Labcorp
Classification: Uncertain significance for Familial meningioma. Last evaluated: 2025-09-13. Review status: criteria provided, single submitter. Criteria: Invitae Variant Classification Sherloc (09022015). Collection method: clinical testing. Allele origin: germline.
Comment: This sequence change replaces glutamic acid, which is acidic and polar, with glutamine, which is neutral and polar, at codon 283 of the SMARCE1 protein (p.Glu283Gln). This variant is not present in population databases (gnomAD no frequency). This variant has not been reported in the literature in individuals affected with SMARCE1-related conditions. ClinVar contains an entry for this variant (Variation ID: 1763537). Invitae Evidence Modeling of protein sequence and biophysical properties (such as structural, functional, and spatial information, amino acid conservation, physicochemical variation, residue mobility, and thermodynamic stability) indicates that this missense variant is not expected to disrupt SMARCE1 protein function with a negative predictive value of 80%. In summary, the available evidence is currently insufficient to determine the role of this variant in disease. Therefore, it has been classified as a Variant of Uncertain Significance.

Ambry Genetics
Classification: Likely benign for Hereditary cancer-predisposing syndrome. Last evaluated: 2025-07-08. Review status: criteria provided, single submitter. Criteria: Ambry Variant Classification Scheme 2023. Collection method: clinical testing. Allele origin: germline.